The following is an entry in ClinVar:

NM_001376.5(DYNC1H1):c.5481_5486del (p.Ser1828_Lys1829del)

Gene: DYNC1H1 (dynein cytoplasmic 1 heavy chain 1; plus strand). Cytogenetic location: 14q32.31.
Variant type: Deletion.
Coding change: c.5481_5486del on transcript NM_001376.5 (MANE Select); coding-DNA positions 5481 to 5486, 6 bases deleted (AAGCAA; older notation c.5481_5486delAAGCAA).
Protein change: p.Ser1828_Lys1829del.
Genome position (GRCh38, 1-based): chr14:102,005,935-102,005,940, AAGCAA deleted; deleting any 6 consecutive bases within chr14:102,005,932-102,005,940 gives the same sequence; the c. name uses the placement nearest the transcript's 3' end. VCF-style (leftmost placement, unchanged base first): chr14-102005931-TCAAAAG-T. GRCh37 (hg19) VCF-style: chr14-102472268-TCAAAAG-T.
Identifiers: ClinVar variation 3699937 (VCV003699937.2).

ClinVar aggregate classification (germline): Uncertain significance (1 of 4 stars; one submission).

Conditions:
Charcot-Marie-Tooth disease axonal type 2O. Also called: CHARCOT-MARIE-TOOTH NEUROPATHY, AXONAL, TYPE 2O; CHARCOT-MARIE-TOOTH DISEASE, AXONAL, AUTOSOMAL DOMINANT, TYPE 2O; Charcot-Marie-Tooth Neuropathy Type 2O; Charcot-Marie-Tooth disease, axonal, type 20. Identifiers: Orphanet 284232, MedGen C3280220, MONDO:0013644, OMIM 614228.

Submission:

Labcorp Genetics (formerly Invitae), Labcorp
Classification: Uncertain significance for Charcot-Marie-Tooth disease axonal type 2O. Last evaluated: 2024-05-26. Review status: criteria provided, single submitter. Criteria: Invitae Variant Classification Sherloc (09022015). Collection method: clinical testing. Allele origin: germline.
Comment: This variant, c.5481_5486del, results in the deletion of 2 amino acid(s) of the DYNC1H1 protein (p.Ser1828_Lys1829del), but otherwise preserves the integrity of the reading frame. This variant is not present in population databases (gnomAD no frequency). This variant has not been reported in the literature in individuals affected with DYNC1H1-related conditions. Experimental studies and prediction algorithms are not available or were not evaluated, and the functional significance of this variant is currently unknown. In summary, the available evidence is currently insufficient to determine the role of this variant in disease. Therefore, it has been classified as a Variant of Uncertain Significance.